The following is an entry in ClinVar:

NM_001184.4(ATR):c.5311A>C (p.Asn1771His)

Gene: ATR (ATR serine/threonine kinase; minus strand). Cytogenetic location: 3q23.
Variant type: single nucleotide variant.
Coding change: c.5311A>C on transcript NM_001184.4 (MANE Select); coding-DNA position 5311, A replaced by C.
Protein change: p.Asn1771His; replaces asparagine 1771 with histidine.
Molecular consequence: missense variant.
Genome position (GRCh38, 1-based): chr3:142,499,696, T>G on the plus strand (A>C on the coding strand, the complement: ATR is on the minus strand). VCF-style: chr3-142499696-T-G. GRCh37 (hg19) VCF-style: chr3-142218538-T-G.
Other names: c.5119A>C, p.Asn1707His (NM_001354579.2); short protein forms N1707H, N1771H.
Identifiers: ClinVar variation 3331900 (VCV003331900.1).

ClinVar aggregate classification (germline): Uncertain significance (1 of 4 stars; one submission).

Conditions:
Inborn genetic diseases. Identifiers: MedGen C0950123, MeSH D030342.

Submission:

Ambry Genetics
Classification: Uncertain significance for Inborn genetic diseases. Last evaluated: 2024-05-10. Review status: criteria provided, single submitter. Criteria: Ambry Variant Classification Scheme 2023. Collection method: clinical testing. Allele origin: germline.
Comment: The p.N1771H variant (also known as c.5311A>C), located in coding exon 31 of the ATR gene, results from an A to C substitution at nucleotide position 5311. The asparagine at codon 1771 is replaced by histidine, an amino acid with similar properties. This amino acid position is conserved. In addition, this alteration is predicted to be tolerated by in silico analysis. Based on the available evidence, the clinical significance of this variant remains unclear.